The following is an entry in ClinVar:

NM_022168.4(IFIH1):c.1271del (p.Leu424fs)

Gene: IFIH1 (interferon induced with helicase C domain 1; minus strand). Cytogenetic location: 2q24.2.
Variant type: Deletion.
Coding change: c.1271del on transcript NM_022168.4 (MANE Select); coding-DNA position 1271, one base deleted (T; older notation c.1271delT).
Protein change: p.Leu424fs; shifts the reading frame from leucine 424.
Molecular consequence: frameshift variant.
Genome position (GRCh38, 1-based): chr2:162,282,401, A deleted on the plus strand (T on the coding strand, the reverse complement: IFIH1 is on the minus strand); the first of 2 consecutive A bases (chr2:162,282,401-162,282,402); deleting either gives the same sequence. VCF-style (leftmost placement, unchanged base first): chr2-162282400-CA-C. GRCh37 (hg19) VCF-style: chr2-163138910-CA-C.
Other names: c.1271del (NM_022168.3); short protein forms L424fs.
Identifiers: ClinVar variation 1494333 (VCV001494333.8), dbSNP rs1180019447, ClinGen allele CA759857621.

ClinVar aggregate classification (germline): Uncertain significance. Review status: criteria provided, multiple submitters, no conflicts (2 of 4 stars). 3 submissions from 3 submitters: Uncertain significance (3). Last evaluated 2025-02-19.

Conditions:
Singleton-Merten syndrome 1 (SGMRT1). Also called: Widened medullary cavities of bone, aortic calcification, abnormal dentition, and muscular weakness; Syndrome of widened medullary cavities of the metacarpals and phalanges, aortic calcification and abnormal dentition. Identifiers: Orphanet 85191, MedGen C4225427, MONDO:0024535, OMIM 182250.
Aicardi-Goutieres syndrome 7 (AGS7). Identifiers: Orphanet 51, MedGen C3888244, MONDO:0014367, OMIM 615846.

Submissions (3):

GeneDx
Classification: Uncertain significance. Last evaluated: 2025-02-19. Review status: criteria provided, single submitter. Criteria: GeneDx Variant Classification Process June 2021. Collection method: clinical testing. Allele origin: germline. Affected: yes.
Comment: Reported in an individual with recurrent pericarditis in published literature (PMID: 39347728); Frameshift variant predicted to result in protein truncation or nonsense mediated decay in a gene for which loss-of-function is not a known mechanism of disease; Not observed at significant frequency in large population cohorts (gnomAD); This variant is associated with the following publications: (PMID: 39347728)

Blueprint Genetics
Classification: Uncertain significance. Last evaluated: 2024-06-11. Review status: criteria provided, single submitter. Criteria: ACMG Guidelines, 2015. Collection method: clinical testing. Allele origin: germline.

Labcorp Genetics (formerly Invitae), Labcorp
Classification: Uncertain significance for Aicardi-Goutieres syndrome 7; Singleton-Merten syndrome 1. Last evaluated: 2022-09-12. Review status: criteria provided, single submitter. Criteria: Invitae Variant Classification Sherloc (09022015). Collection method: clinical testing. Allele origin: germline.
Comment: This sequence change creates a premature translational stop signal (p.Leu424Trpfs*35) in the IFIH1 gene. It is expected to result in an absent or disrupted protein product. However, the current clinical and genetic evidence is not sufficient to establish whether loss-of-function variants in IFIH1 cause disease. This variant is not present in population databases (gnomAD no frequency). This variant has not been reported in the literature in individuals affected with IFIH1-related conditions. This premature translational stop signal has been observed in at least one individual who was not affected with IFIH1-related conditions (Invitae). ClinVar contains an entry for this variant (Variation ID: 1494333). In summary, the available evidence is currently insufficient to determine the role of this variant in disease. Therefore, it has been classified as a Variant of Uncertain Significance.